The following is an entry in ClinVar:

ClinVar aggregate classification (germline): Uncertain significance. Review status: criteria provided, multiple submitters, no conflicts (2 of 4 stars). 4 submissions from 4 submitters: Uncertain significance (3). 1 of the submissions does not count toward it. Last evaluated 2025-10-18.

Conditions:
Hereditary cancer-predisposing syndrome. Also called: Neoplastic Syndromes, Hereditary; Hereditary Cancer Syndrome; Tumor predisposition; Hereditary neoplastic syndrome. Identifiers: Orphanet 140162, MedGen C0027672, MeSH D009386, MONDO:0015356.
Ataxia-telangiectasia syndrome (AT). Also called: LOUIS-BAR SYNDROME; Cerebello-oculocutaneous telangiectasia; Immunodeficiency with ataxia telangiectasia; Ataxia-telangiectasia, complementation group D; AT, COMPLEMENTATION GROUP C; Ataxia-telangiectasia, complementation group E. Identifiers: Orphanet 100, MedGen C0004135, MONDO:0008840, OMIM 208900.

Allele frequency attached by ClinVar (database versions not stated): TOPMed below 0.00001.

Submissions (4):

Labcorp Genetics (formerly Invitae), Labcorp
Classification: Uncertain significance for Ataxia-telangiectasia syndrome. Last evaluated: 2025-10-18. Review status: criteria provided, single submitter. Criteria: Invitae Variant Classification Sherloc (09022015). Collection method: clinical testing. Allele origin: germline.
Comment: This sequence change replaces arginine, which is basic and polar, with cysteine, which is neutral and slightly polar, at codon 2161 of the ATM protein (p.Arg2161Cys). This variant is not present in population databases (gnomAD no frequency). This variant has not been reported in the literature in individuals affected with ATM-related conditions. ClinVar contains an entry for this variant (Variation ID: 419565). Invitae Evidence Modeling of protein sequence and biophysical properties (such as structural, functional, and spatial information, amino acid conservation, physicochemical variation, residue mobility, and thermodynamic stability) indicates that this missense variant is not expected to disrupt ATM protein function with a negative predictive value of 95%. In summary, the available evidence is currently insufficient to determine the role of this variant in disease. Therefore, it has been classified as a Variant of Uncertain Significance.

Ambry Genetics
Classification: Uncertain significance for Hereditary cancer-predisposing syndrome. Last evaluated: 2023-10-24. Review status: criteria provided, single submitter. Criteria: Ambry Variant Classification Scheme 2023. Collection method: clinical testing. Allele origin: germline.
Comment: The p.R2161C variant (also known as c.6481C>T), located in coding exon 44 of the ATM gene, results from a C to T substitution at nucleotide position 6481. The arginine at codon 2161 is replaced by cysteine, an amino acid with highly dissimilar properties. This amino acid position is poorly conserved in available vertebrate species. In addition, this alteration is predicted to be tolerated by in silico analysis. Since supporting evidence is limited at this time, the clinical significance of this alteration remains unclear.

GeneDx
Classification: Uncertain significance. Last evaluated: 2018-08-02. Review status: criteria provided, single submitter. Criteria: GeneDx Variant Classification (06012015). Collection method: clinical testing. Allele origin: germline. Affected: yes.
Comment: This variant is denoted ATM c.6481C>T at the cDNA level, p.Arg2161Cys (R2161C) at the protein level, and results in the change of an Arginine to a Cysteine (CGC>TGC). This variant has not, to our knowledge, been published in the literature as pathogenic or benign. ATM Arg2161Cys was not observed in large population cohorts (Lek 2016). Since Arginine and Cysteine differ in polarity, charge, size or other properties, this is considered a non-conservative amino acid substitution. ATM Arg2161Cys is located in the FAT domain (Stracker 2013). In silico analysis, which includes protein predictors and evolutionary conservation, supports that this variant does not alter protein structure/function. Based on currently available information, it is unclear whether ATM Arg2161Cys is pathogenic or benign. We consider it to be a variant of uncertain significance.

Natera, Inc.
Classification: Uncertain significance for Ataxia-telangiectasia. Last evaluated: 2025-04-18. Review status: no assertion criteria provided. Collection method: clinical testing. Allele origin: germline. Not counted in ClinVar's aggregate classification.

NM_000051.4(ATM):c.6481C>T (p.Arg2161Cys)

Genes: ATM (ATM serine/threonine kinase; plus strand), C11orf65 (chromosome 11 open reading frame 65; minus strand). Cytogenetic location: 11q22.3.
Variant type: single nucleotide variant.
Coding change: c.6481C>T on transcript NM_000051.4 (MANE Select); coding-DNA position 6481, C replaced by T.
Protein change: p.Arg2161Cys; replaces arginine 2161 with cysteine.
Molecular consequence: missense variant. On other transcripts: intron variant (2).
Genome position (GRCh38, 1-based): chr11:108,321,329, C>T. VCF-style: chr11-108321329-C-T. GRCh37 (hg19) VCF-style: chr11-108192056-C-T.
Other names: c.6481C>T, p.Arg2161Cys (NM_001351834.2); c.641-12258G>A (NM_001330368.2); c.*39-12258G>A (NM_001351110.2); short protein forms R2161C.
Identifiers: ClinVar variation 419565 (VCV000419565.15), dbSNP rs1064793958, ClinGen allele CA16619214.